The following is an entry in ClinVar:

ClinVar aggregate classification (germline): Pathogenic (1 of 4 stars; one submission).

Conditions:
Retinoblastoma (RB1). Also called: RETINOBLASTOMA, SOMATIC. Identifiers: Orphanet 790, MedGen C0035335, MeSH D012175, MONDO:0008380, OMIM 180200, HP:0009919. Disease mechanism: loss of function. Inheritance: Both sporadic and heritable forms are tested..

Submission:

Labcorp Genetics (formerly Invitae), Labcorp
Classification: Pathogenic for Retinoblastoma. Last evaluated: 2021-07-28. Review status: criteria provided, single submitter. Criteria: Invitae Variant Classification Sherloc (09022015). Collection method: clinical testing. Allele origin: germline.
Comment: For these reasons, this variant has been classified as Pathogenic. This premature translational stop signal has been observed in individual(s) with retinoblastoma (PMID: 22205104, 24688104). This variant is not present in population databases (ExAC no frequency). This sequence change creates a premature translational stop signal (p.Leu199Tyrfs*2) in the RB1 gene. It is expected to result in an absent or disrupted protein product. Loss-of-function variants in RB1 are known to be pathogenic (PMID: 17096365).

Literature cited by the submitters: PubMed 22205104; PubMed 24688104; PubMed 17096365.

NM_000321.3(RB1):c.596del (p.Leu199fs)

Gene: RB1 (RB transcriptional corepressor 1; plus strand). Cytogenetic location: 13q14.2.
Variant type: Deletion.
Coding change: c.596del on transcript NM_000321.3 (MANE Select); coding-DNA position 596, one base deleted (T; older notation c.596delT).
Protein change: p.Leu199fs; shifts the reading frame from leucine 199.
Molecular consequence: frameshift variant.
Genome position (GRCh38, 1-based): chr13:48,349,012, T deleted; the last of 5 consecutive T bases (chr13:48,349,008-48,349,012); deleting any one gives the same sequence. VCF-style (leftmost placement, unchanged base first): chr13-48349007-AT-A. GRCh37 (hg19) VCF-style: chr13-48923143-AT-A.
Other names: short protein forms L199fs.
Identifiers: ClinVar variation 1459068 (VCV001459068.6), dbSNP rs2138093700, ClinGen allele CA645578616.